The following is an entry in ClinVar:

NM_021922.3(FANCE):c.275G>A (p.Arg92Gln)

Gene: FANCE (FA complementation group E; plus strand). Cytogenetic location: 6p21.31.
Variant type: single nucleotide variant.
Coding change: c.275G>A on transcript NM_021922.3 (MANE Select); coding-DNA position 275, G replaced by A.
Protein change: p.Arg92Gln; replaces arginine 92 with glutamine.
Molecular consequence: missense variant.
Genome position (GRCh38, 1-based): chr6:35,455,773, G>A. VCF-style: chr6-35455773-G-A. GRCh37 (hg19) VCF-style: chr6-35423550-G-A.
Other names: short protein forms R92Q.
Identifiers: ClinVar variation 1060914 (VCV001060914.6), dbSNP rs369035099, ClinGen allele CA3771371.

ClinVar aggregate classification (germline): Uncertain significance (1 of 4 stars; one submission).

Conditions:
Fanconi anemia complementation group E (FANCE). Also called: FANCE-Related Fanconi Anemia. Identifiers: Orphanet 84, MedGen C3160739, MONDO:0010953, OMIM 600901.

Allele frequency attached by ClinVar (database versions not stated): TOPMed below 0.00001; gnomAD 0.00001; gnomAD exomes 0.00001; ExAC 0.00002; ESP Exome Variant Server 0.00008.
gnomAD v4.1: 11 of 1,614,000 alleles (0.00068%); highest among the groups gnomAD compares: Middle Eastern, 0.016%; no homozygotes.

Submission:

Labcorp Genetics (formerly Invitae), Labcorp
Classification: Uncertain significance for Fanconi anemia complementation group E. Last evaluated: 2021-08-20. Review status: criteria provided, single submitter. Criteria: Invitae Variant Classification Sherloc (09022015). Collection method: clinical testing. Allele origin: germline.
Comment: This sequence change replaces arginine with glutamine at codon 92 of the FANCE protein (p.Arg92Gln). The arginine residue is weakly conserved and there is a small physicochemical difference between arginine and glutamine. This variant is present in population databases (rs369035099, ExAC 0.01%). This variant has not been reported in the literature in individuals affected with FANCE-related conditions. Algorithms developed to predict the effect of missense changes on protein structure and function output the following: SIFT: "Tolerated"; PolyPhen-2: "Benign"; Align-GVGD: "Class C0". The glutamine amino acid residue is found in multiple mammalian species, which suggests that this missense change does not adversely affect protein function. Algorithms developed to predict the effect of sequence changes on RNA splicing suggest that this variant may create or strengthen a splice site. In summary, the available evidence is currently insufficient to determine the role of this variant in disease. Therefore, it has been classified as a Variant of Uncertain Significance.